The following is an entry in ClinVar:

ClinVar aggregate classification (germline): Likely benign (1 of 4 stars; one submission).

gnomAD v4.1: 3 of 1,614,006 alleles (0.00019%); highest among the groups gnomAD compares: Non-Finnish European, 0.00025%; no homozygotes.

Submission:

CeGaT Center for Human Genetics Tuebingen
Classification: Likely benign. Last evaluated: 2022-12-01. Review status: criteria provided, single submitter. Criteria: CeGaT Center For Human Genetics Tuebingen Variant Classification Criteria Version 2. Collection method: clinical testing. Allele origin: germline. Affected: yes. Observed: 1 variant allele.
Comment: UMPS: PM2:Supporting, BP4, BP7

NM_000373.4(UMPS):c.1092G>A (p.Gly364=)

Gene: UMPS (uridine monophosphate synthetase; plus strand). Cytogenetic location: 3q21.2.
Variant type: single nucleotide variant.
Coding change: c.1092G>A on transcript NM_000373.4 (MANE Select); coding-DNA position 1092, G replaced by A.
Protein change: p.Gly364=; no amino-acid change (glycine 364 retained).
Molecular consequence: synonymous variant. On other transcripts: non-coding transcript variant (2).
Genome position (GRCh38, 1-based): chr3:124,740,133, G>A. VCF-style: chr3-124740133-G-A. GRCh37 (hg19) VCF-style: chr3-124458980-G-A.
Identifiers: ClinVar variation 2654087 (VCV002654087.24), dbSNP rs2481583702, ClinGen allele CA435333363.